The following is an entry in ClinVar:

ClinVar aggregate classification (germline): Uncertain significance. Review status: criteria provided, multiple submitters, no conflicts (2 of 4 stars). 2 submissions from 2 submitters: Uncertain significance (2). Last evaluated 2025-03-10.

Conditions:
Combined oxidative phosphorylation deficiency 55 (COXPD55). Identifiers: MedGen C5676915, MONDO:0859228, OMIM 619743.

Submissions (2):

Ambry Genetics
Classification: Uncertain significance. Last evaluated: 2025-03-10. Review status: criteria provided, single submitter. Criteria: Ambry Variant Classification Scheme 2023. Collection method: clinical testing. Allele origin: germline.

Laboratorio de Genetica e Diagnostico Molecular, Hospital Israelita Albert Einstein
Classification: Uncertain significance for Combined oxidative phosphorylation deficiency 55. Last evaluated: 2024-08-23. Review status: criteria provided, single submitter. Criteria: ACMG Guidelines, 2015. Collection method: clinical testing. Allele origin: germline. Affected: yes.
Comment: ACMG classification criteria: PM2 supporting

NM_005035.4(POLRMT):c.601A>G (p.Lys201Glu)

Gene: POLRMT (RNA polymerase mitochondrial; minus strand). Cytogenetic location: 19p13.3.
Variant type: single nucleotide variant.
Coding change: c.601A>G on transcript NM_005035.4 (MANE Select); coding-DNA position 601, A replaced by G.
Protein change: p.Lys201Glu; replaces lysine 201 with glutamic acid.
Molecular consequence: missense variant. On other transcripts: non-coding transcript variant (1).
Genome position (GRCh38, 1-based): chr19:629,761, T>C on the plus strand (A>G on the coding strand, the complement: POLRMT is on the minus strand). VCF-style: chr19-629761-T-C. GRCh37 (hg19) VCF-style: chr19-629761-T-C.
Other names: c.601A>G, p.Lys201Glu (NM_001407805.1, NM_001407806.1, NM_001407807.1 and 12 more transcripts); c.277A>G, p.Lys93Glu (NM_001407831.1, NM_001407833.1, NM_001407834.1 and 2 more transcripts); short protein forms K201E, K93E.
Identifiers: ClinVar variation 3781861 (VCV003781861.2).